The following is an entry in ClinVar:

ClinVar aggregate classification (germline): Benign (0 of 4 stars; one submission).

Conditions:
PTK7-related disorder. Also called: PTK7-related condition.

Allele frequency attached by ClinVar (database versions not stated): ESP Exome Variant Server 0.00008; gnomAD 0.00044; ExAC 0.00077; 1000 Genomes Project 0.00160; 1000 Genomes Project 30x 0.00172.
gnomAD v4.1: 669 of 1,614,248 alleles (0.041%); highest among the groups gnomAD compares: East Asian, 0.81%; 6 homozygotes.

Submission:

PreventionGenetics, part of Exact Sciences
Classification: Benign for PTK7-related condition. Last evaluated: 2019-03-20. Review status: no assertion criteria provided. Collection method: clinical testing. Allele origin: germline.
Comment: This variant is classified as benign based on ACMG/AMP sequence variant interpretation guidelines (Richards et al. 2015 PMID: 25741868, with internal and published modifications).

NM_002821.5(PTK7):c.1476G>A (p.Ala492=)

Gene: PTK7 (protein tyrosine kinase 7 (inactive); plus strand). Cytogenetic location: 6p21.1.
Variant type: single nucleotide variant.
Coding change: c.1476G>A on transcript NM_002821.5 (MANE Select); coding-DNA position 1476, G replaced by A.
Protein change: p.Ala492=; no amino-acid change (alanine 492 retained).
Molecular consequence: synonymous variant. On other transcripts: non-coding transcript variant (2), intron variant (1).
Genome position (GRCh38, 1-based): chr6:43,139,249, G>A. VCF-style: chr6-43139249-G-A. GRCh37 (hg19) VCF-style: chr6-43106987-G-A.
Other names: c.1500G>A, p.Ala500= (NM_001270398.2); c.1476G>A, p.Ala492= (NM_152880.4, NM_152882.4); c.1229-2419G>A (NM_152881.4).
Identifiers: ClinVar variation 3038787 (VCV003038787.2), dbSNP rs145195593, ClinGen allele CA3816035.